The following is an entry in ClinVar:

ClinVar aggregate classification (germline): Uncertain significance (1 of 4 stars; one submission).

Conditions:
Hereditary diffuse gastric adenocarcinoma (HDGC). Also called: DIFFUSE GASTRIC AND LOBULAR BREAST CANCER SYNDROME. Identifiers: Orphanet 26106, MedGen C1708349, MONDO:0007648, OMIM 137215.

Submission:

Labcorp Genetics (formerly Invitae), Labcorp
Classification: Uncertain significance for Hereditary diffuse gastric adenocarcinoma. Last evaluated: 2022-09-01. Review status: criteria provided, single submitter. Criteria: Invitae Variant Classification Sherloc (09022015). Collection method: clinical testing. Allele origin: germline.
Comment: In summary, the available evidence is currently insufficient to determine the role of this variant in disease. Therefore, it has been classified as a Variant of Uncertain Significance. Algorithms developed to predict the effect of sequence changes on RNA splicing suggest that this variant may create or strengthen a splice site. This variant has not been reported in the literature in individuals affected with CDH1-related conditions. This variant is not present in population databases (gnomAD no frequency). This sequence change falls in intron 10 of the CDH1 gene. It does not directly change the encoded amino acid sequence of the CDH1 protein.

NM_004360.5(CDH1):c.1565+12G>T

Gene: CDH1 (cadherin 1; plus strand). Cytogenetic location: 16q22.1.
Variant type: single nucleotide variant.
Coding change: c.1565+12G>T on transcript NM_004360.5 (MANE Select); 12 bases into the intron after coding-DNA position 1565, G replaced by T.
Molecular consequence: intron variant.
Genome position (GRCh38, 1-based): chr16:68,815,771, G>T. VCF-style: chr16-68815771-G-T. GRCh37 (hg19) VCF-style: chr16-68849674-G-T.
Other names: c.17+12G>T (NM_001317185.2); c.-255+12G>T (NM_001317186.2); c.1382+12G>T (NM_001317184.2).
Identifiers: ClinVar variation 1942003 (VCV001942003.5), dbSNP rs2152135179, ClinGen allele CA2580092001.